The following is an entry in ClinVar:

ClinVar aggregate classification (germline): Uncertain significance (1 of 4 stars; one submission).

Submission:

Labcorp Genetics (formerly Invitae), Labcorp
Classification: Uncertain significance. Last evaluated: 2023-05-26. Review status: criteria provided, single submitter. Criteria: Invitae Variant Classification Sherloc (09022015). Collection method: clinical testing. Allele origin: germline.
Comment: This variant is not present in population databases (gnomAD no frequency). This sequence change replaces threonine, which is neutral and polar, with proline, which is neutral and non-polar, at codon 114 of the FGFR3 protein (p.Thr114Pro). This variant has not been reported in the literature in individuals affected with FGFR3-related conditions. Advanced modeling of protein sequence and biophysical properties (such as structural, functional, and spatial information, amino acid conservation, physicochemical variation, residue mobility, and thermodynamic stability) performed at Invitae indicates that this missense variant is not expected to disrupt FGFR3 protein function. In summary, the available evidence is currently insufficient to determine the role of this variant in disease. Therefore, it has been classified as a Variant of Uncertain Significance.

NM_000142.5(FGFR3):c.340A>C (p.Thr114Pro)

Gene: FGFR3 (fibroblast growth factor receptor 3; plus strand). Cytogenetic location: 4p16.3.
Variant type: single nucleotide variant.
Coding change: c.340A>C on transcript NM_000142.5 (MANE Select); coding-DNA position 340, A replaced by C.
Protein change: p.Thr114Pro; replaces threonine 114 with proline.
Molecular consequence: missense variant. On other transcripts: non-coding transcript variant (1).
Genome position (GRCh38, 1-based): chr4:1,799,484, A>C. VCF-style: chr4-1799484-A-C. GRCh37 (hg19) VCF-style: chr4-1801211-A-C.
Other names: c.340A>C, p.Thr114Pro (NM_001163213.2, NM_001354809.2, NM_001354810.2 and 1 more transcripts); short protein forms T114P.
Identifiers: ClinVar variation 2730743 (VCV002730743.3), dbSNP rs2546796264, ClinGen allele CA355973182.